The following is an entry in ClinVar:

NM_199420.4(POLQ):c.4462A>G (p.Ser1488Gly)

Gene: POLQ (DNA polymerase theta; minus strand). Cytogenetic location: 3q13.33.
Variant type: single nucleotide variant.
Coding change: c.4462A>G on transcript NM_199420.4 (MANE Select); coding-DNA position 4462, A replaced by G.
Protein change: p.Ser1488Gly; replaces serine 1488 with glycine.
Molecular consequence: missense variant.
Genome position (GRCh38, 1-based): chr3:121,488,469, T>C on the plus strand (A>G on the coding strand, the complement: POLQ is on the minus strand). VCF-style: chr3-121488469-T-C. GRCh37 (hg19) VCF-style: chr3-121207316-T-C.
Other names: short protein forms S1488G.
Identifiers: ClinVar variation 2449179 (VCV002449179.2), dbSNP rs772480932, ClinGen allele CA2562895.

ClinVar aggregate classification (germline): Uncertain significance (1 of 4 stars; one submission).

Allele frequency attached by ClinVar (database versions not stated): gnomAD 0.00001; gnomAD exomes 0.00001; ExAC 0.00002; TOPMed 0.00002.
gnomAD v4.1: 13 of 1,609,184 alleles (0.00081%); highest among the groups gnomAD compares: South Asian, 0.01%; no homozygotes.

Submission:

Ambry Genetics
Classification: Uncertain significance. Last evaluated: 2023-01-03. Review status: criteria provided, single submitter. Criteria: Ambry Variant Classification Scheme 2023. Collection method: clinical testing. Allele origin: germline.
Comment: The p.S1488G variant (also known as c.4462A>G), located in coding exon 16 of the POLQ gene, results from an A to G substitution at nucleotide position 4462. The serine at codon 1488 is replaced by glycine, an amino acid with similar properties. This amino acid position is conserved. In addition, this alteration is predicted to be tolerated by in silico analysis. Since supporting evidence is limited at this time, the clinical significance of this alteration remains unclear.